The following is an entry in ClinVar:

ClinVar aggregate classification (germline): Pathogenic (1 of 4 stars; one submission).

Conditions:
Congenital myotonia, autosomal dominant form (THD). Also called: THOMSEN DISEASE; Myotonia congenita autosomal dominant. Identifiers: Orphanet 614, MedGen C2936781, MONDO:0008055, OMIM 160800.
Congenital myotonia, autosomal recessive form. Also called: BECKER DISEASE; Becker Generalized Myotonia; myotonia congenita, autosomal recessive. Identifiers: Orphanet 614, MedGen C0751360, MONDO:0009715, OMIM 255700.

Allele frequency attached by ClinVar (database versions not stated): gnomAD exomes below 0.00001; ExAC 0.00001.

Submission:

Labcorp Genetics (formerly Invitae), Labcorp
Classification: Pathogenic for Congenital myotonia, autosomal recessive form; Congenital myotonia, autosomal dominant form. Last evaluated: 2023-09-21. Review status: criteria provided, single submitter. Criteria: Invitae Variant Classification Sherloc (09022015). Collection method: clinical testing. Allele origin: germline.
Comment: For these reasons, this variant has been classified as Pathogenic. This premature translational stop signal has been observed in individual(s) with autosomal recessive myotonia congenita (PMID: 27118449). This variant is present in population databases (rs765393777, gnomAD 0.006%). This sequence change creates a premature translational stop signal (p.Gln788*) in the CLCN1 gene. It is expected to result in an absent or disrupted protein product. Loss-of-function variants in CLCN1 are known to be pathogenic (PMID: 17932099, 22094069, 23739125).

Literature cited by the submitters: PubMed 27118449; PubMed 17932099; PubMed 22094069; PubMed 23739125.

NM_000083.3(CLCN1):c.2362C>T (p.Gln788Ter)

Gene: CLCN1 (chloride voltage-gated channel 1; plus strand). Cytogenetic location: 7q34.
Variant type: single nucleotide variant.
Coding change: c.2362C>T on transcript NM_000083.3 (MANE Select); coding-DNA position 2362, C replaced by T.
Protein change: p.Gln788Ter; replaces glutamine 788 with a stop codon.
Molecular consequence: nonsense. On other transcripts: non-coding transcript variant (1).
Genome position (GRCh38, 1-based): chr7:143,346,656, C>T. VCF-style: chr7-143346656-C-T. GRCh37 (hg19) VCF-style: chr7-143043749-C-T.
Other names: short protein forms Q788*.
Identifiers: ClinVar variation 2925431 (VCV002925431.3), dbSNP rs765393777, ClinGen allele CA4537645.